The following is an entry in ClinVar:

ClinVar aggregate classification (germline): Uncertain significance (1 of 4 stars; one submission).

Conditions:
Tuberous sclerosis 2 (TSC2). Identifiers: Orphanet 805, MedGen C1860707, MONDO:0013199, OMIM 613254.

gnomAD v4.1: 2 of 1,610,458 alleles (0.00012%); highest among the groups gnomAD compares: Non-Finnish European, 0.00017%; no homozygotes.

Submission:

Labcorp Genetics (formerly Invitae), Labcorp
Classification: Uncertain significance for Tuberous sclerosis 2. Last evaluated: 2026-01-20. Review status: criteria provided, single submitter. Criteria: Invitae Variant Classification Sherloc (09022015). Collection method: clinical testing. Allele origin: germline.
Comment: This sequence change replaces leucine, which is neutral and non-polar, with phenylalanine, which is neutral and non-polar, at codon 423 of the TSC2 protein (p.Leu423Phe). This variant is not present in population databases (gnomAD no frequency). This variant has not been reported in the literature in individuals affected with TSC2-related conditions. ClinVar contains an entry for this variant (Variation ID: 1523329). Invitae Evidence Modeling of protein sequence and biophysical properties (such as structural, functional, and spatial information, amino acid conservation, physicochemical variation, residue mobility, and thermodynamic stability) indicates that this missense variant is not expected to disrupt TSC2 protein function with a negative predictive value of 95%. In summary, the available evidence is currently insufficient to determine the role of this variant in disease. Therefore, it has been classified as a Variant of Uncertain Significance.

NM_000548.5(TSC2):c.1267C>T (p.Leu423Phe)

Gene: TSC2 (TSC complex subunit 2; plus strand). Cytogenetic location: 16p13.3.
Variant type: single nucleotide variant.
Coding change: c.1267C>T on transcript NM_000548.5 (MANE Select); coding-DNA position 1267, C replaced by T.
Protein change: p.Leu423Phe; replaces leucine 423 with phenylalanine.
Molecular consequence: missense variant.
Genome position (GRCh38, 1-based): chr16:2,062,506, C>T. VCF-style: chr16-2062506-C-T. GRCh37 (hg19) VCF-style: chr16-2112507-C-T.
Other names: c.1267C>T, p.Leu423Phe (NM_001077183.3, NM_001114382.3, NM_001363528.2 and 3 more transcripts); c.1156C>T, p.Leu386Phe (NM_001318827.2); c.1120C>T, p.Leu374Phe (NM_001318829.2); c.667C>T, p.Leu223Phe (NM_001318831.2); c.1300C>T, p.Leu434Phe (NM_001318832.2); short protein forms L223F, L434F, L374F, L386F, L423F.
Identifiers: ClinVar variation 1523329 (VCV001523329.6), dbSNP rs746586340, ClinGen allele CA394321858.